The following is an entry in ClinVar:

ClinVar aggregate classification (germline): Uncertain significance (1 of 4 stars; one submission).

Conditions:
Hypertrophic cardiomyopathy 12. Identifiers: MedGen C2677491, MONDO:0012804, OMIM 612124.

Submission:

3billion
Classification: Uncertain significance for Hypertrophic cardiomyopathy 12. Last evaluated: 2025-10-20. Review status: criteria provided, single submitter. Criteria: ACMG Guidelines, 2015. Collection method: clinical testing. Allele origin: germline. Affected: yes.
Comment: The variant is observed at an extremely low frequency in the gnomAD v4.1.0 dataset (total allele frequency: <0.001%). Predicted Consequence/Location: Start-lost: reinitiation of translation may occur at a downstream alternate start codon but still result in a loss or disruption of normal protein function as there have been pathogenic variants reported upstream of the alternate start codon. Therefore, this variant is classified as VUS according to the recommendation of ACMG/AMP guideline.

NM_003476.5(CSRP3):c.2T>A (p.Met1Lys)

Gene: CSRP3 (cysteine and glycine rich protein 3; minus strand). Cytogenetic location: 11p15.1.
Variant type: single nucleotide variant.
Coding change: c.2T>A on transcript NM_003476.5 (MANE Select); coding-DNA position 2, T replaced by A.
Protein change: p.Met1Lys; changes the start codon (methionine 1).
Molecular consequence: missense variant, initiator codon variant.
Genome position (GRCh38, 1-based): chr11:19,192,447, A>T on the plus strand (T>A on the coding strand, the complement: CSRP3 is on the minus strand). VCF-style: chr11-19192447-A-T. GRCh37 (hg19) VCF-style: chr11-19213994-A-T.
Other names: c.2T>A, p.Met1Lys (NM_001369404.1); short protein forms M1K.
Identifiers: ClinVar variation 4855014 (VCV004855014.1).